The following is an entry in ClinVar:

ClinVar aggregate classification (germline): Uncertain significance (1 of 4 stars; one submission).

Conditions:
Gastrointestinal stromal tumor. Also called: Gastrointestinal stroma tumor; Gastrointestinal stromal tumor, somatic. Identifiers: Orphanet 44890, MedGen C0238198, MeSH D046152, MONDO:0011719, OMIM 606764, HP:0100723.

Submission:

Labcorp Genetics (formerly Invitae), Labcorp
Classification: Uncertain significance for Gastrointestinal stromal tumor. Last evaluated: 2020-12-10. Review status: criteria provided, single submitter. Criteria: Invitae Variant Classification Sherloc (09022015). Collection method: clinical testing. Allele origin: germline.
Comment: In summary, the available evidence is currently insufficient to determine the role of this variant in disease. Therefore, it has been classified as a Variant of Uncertain Significance. This variant has not been reported in the literature in individuals with PDGFRA-related conditions. This variant is not present in population databases (ExAC no frequency). This sequence change creates a premature translational stop signal (p.Ser847*) in the PDGFRA gene. It is expected to result in an absent or disrupted protein product. However, the current clinical and genetic evidence is not sufficient to establish whether loss-of-function variants in PDGFRA cause disease.

NM_006206.6(PDGFRA):c.2540C>A (p.Ser847Ter)

Gene: PDGFRA (platelet derived growth factor receptor alpha; plus strand). Cytogenetic location: 4q12.
Variant type: single nucleotide variant.
Coding change: c.2540C>A on transcript NM_006206.6 (MANE Select); coding-DNA position 2540, C replaced by A.
Protein change: p.Ser847Ter; replaces serine 847 with a stop codon.
Molecular consequence: nonsense.
Genome position (GRCh38, 1-based): chr4:54,285,941, C>A. VCF-style: chr4-54285941-C-A. GRCh37 (hg19) VCF-style: chr4-55152108-C-A.
Other names: c.2615C>A, p.Ser872Ter (NM_001347828.2); c.2540C>A, p.Ser847Ter (NM_001347829.2); c.2579C>A, p.Ser860Ter (NM_001347830.2); short protein forms S847*, S860*, S872*.
Identifiers: ClinVar variation 1355468 (VCV001355468.6), dbSNP rs377487797, ClinGen allele CA356895064.
Genomic context (GRCh38, chr4:54,285,941, plus strand): 5'-CACAAGGAAAAATTGTGAAGATCTGTGACTTTGGCCTGGCCAGAGACATCATGCATGATT[C>A]GAACTATGTGTCGAAAGGCAGTGTACGTCCTCACTTCCCTCACTGGTCAGGCTCATCCTC-3'